The following is an entry in ClinVar:

NM_015459.5(ATL3):c.1052A>G (p.Asn351Ser)

Genes: LNCROPM (lncRNA regulator of PLAAT3 mediated phospholipid metabolism; plus strand), ATL3 (atlastin GTPase 3; minus strand). Cytogenetic location: 11q13.1.
Variant type: single nucleotide variant.
Coding change: c.1052A>G on transcript NM_015459.5 (MANE Select); coding-DNA position 1052, A replaced by G.
Protein change: p.Asn351Ser; replaces asparagine 351 with serine.
Molecular consequence: missense variant.
Genome position (GRCh38, 1-based): chr11:63,633,081, T>C on the plus strand (A>G on the coding strand, the complement: ATL3 is on the minus strand). VCF-style: chr11-63633081-T-C. GRCh37 (hg19) VCF-style: chr11-63400553-T-C.
Other names: c.998A>G, p.Asn333Ser (NM_001290048.2); short protein forms N333S, N351S.
Identifiers: ClinVar variation 2886297 (VCV002886297.3), dbSNP rs777128321, ClinGen allele CA6063599.

ClinVar aggregate classification (germline): Uncertain significance (1 of 4 stars; one submission).

Conditions:
Neuropathy, hereditary sensory, type 1F. Also called: HSN IF; Hereditary sensory neuropathy type IF. Identifiers: Orphanet 36386, MedGen C3810194, MONDO:0014286, OMIM 615632.

Allele frequency attached by ClinVar (database versions not stated): ExAC 0.00001; gnomAD 0.00001; gnomAD exomes 0.00001; TOPMed 0.00001.

Submission:

Labcorp Genetics (formerly Invitae), Labcorp
Classification: Uncertain significance for Neuropathy, hereditary sensory, type 1F. Last evaluated: 2023-10-10. Review status: criteria provided, single submitter. Criteria: Invitae Variant Classification Sherloc (09022015). Collection method: clinical testing. Allele origin: germline.
Comment: This sequence change replaces asparagine, which is neutral and polar, with serine, which is neutral and polar, at codon 351 of the ATL3 protein (p.Asn351Ser). This variant is present in population databases (rs777128321, gnomAD 0.0009%). This variant has not been reported in the literature in individuals affected with ATL3-related conditions. Advanced modeling of protein sequence and biophysical properties (such as structural, functional, and spatial information, amino acid conservation, physicochemical variation, residue mobility, and thermodynamic stability) performed at Invitae indicates that this missense variant is not expected to disrupt ATL3 protein function. In summary, the available evidence is currently insufficient to determine the role of this variant in disease. Therefore, it has been classified as a Variant of Uncertain Significance.